The following is an entry in ClinVar:

NM_000136.3(FANCC):c.1516T>C (p.Trp506Arg)

Genes: AOPEP (aminopeptidase O (putative); plus strand), FANCC (FA complementation group C; minus strand). Cytogenetic location: 9q22.32.
Variant type: single nucleotide variant.
Coding change: c.1516T>C on transcript NM_000136.3 (MANE Select); coding-DNA position 1516, T replaced by C.
Protein change: p.Trp506Arg; replaces tryptophan 506 with arginine.
Molecular consequence: missense variant.
Genome position (GRCh38, 1-based): chr9:95,107,083, A>G on the plus strand (T>C on the coding strand, the complement: FANCC is on the minus strand). VCF-style: chr9-95107083-A-G. GRCh37 (hg19) VCF-style: chr9-97869365-A-G.
Other names: p.W506R:TGG>CGG; c.1516T>C, p.Trp506Arg (NM_001243743.2); short protein forms W506R.
Identifiers: ClinVar variation 182489 (VCV000182489.6), dbSNP rs730881726, ClinGen allele CA299196.

ClinVar aggregate classification (germline): Conflicting classifications of pathogenicity. Review status: criteria provided, conflicting classifications (1 of 4 stars). 2 submissions from 2 submitters: Uncertain significance (1); Likely benign (1). Last evaluated 2021-11-30.

Conditions:
Hereditary cancer-predisposing syndrome. Also called: Hereditary Cancer Syndrome; Tumor predisposition; Neoplastic Syndromes, Hereditary; Hereditary neoplastic syndrome. Identifiers: Orphanet 140162, MedGen C0027672, MeSH D009386, MONDO:0015356.

Submissions (2):

Ambry Genetics
Classification: Likely benign for Hereditary cancer-predisposing syndrome. Last evaluated: 2021-11-30. Review status: criteria provided, single submitter. Criteria: Ambry Variant Classification Scheme 2023. Collection method: clinical testing. Allele origin: germline.

GeneDx
Classification: Uncertain significance. Last evaluated: 2015-01-05. Review status: criteria provided, single submitter. Criteria: GeneDx Variant Classification (06012015). Collection method: clinical testing. Allele origin: germline. Affected: yes.
Comment: This variant is denoted FANCC c.1516T>C at the cDNA level, p.Trp506Arg (W506R) at the protein level, and results in the change of a Tryptophan to an Arginine (TGG>CGG). This variant has not, to our knowledge, been published in the literature as pathogenic or benign. FANCC Trp506Arg was not observed in approximately 6,500 individuals of European and African American ancestry in the NHLBI Exome Sequencing Project, indicating it is not a common benign variant in these populations. Since Tryptophan and Arginine differ in polarity, charge, size or other properties, this is considered a non-conservative amino acid substitution. FANCC Trp506Arg occurs at a position that is variable across species and is located in the cdc2 binding domain (Gordon 2000). In silico analyses predict that this variant is unlikely to alter protein structure or function. Based on currently available information, it is unclear whether FANCC Trp506Arg is pathogenic or benign. We consider it to be a variant of uncertain significance.